The following is an entry in ClinVar:

NM_001394062.1(MACF1):c.13916T>A (p.Ile4639Asn)

Gene: MACF1 (microtubule actin crosslinking factor 1; plus strand). Cytogenetic location: 1p34.3.
Variant type: single nucleotide variant.
Coding change: c.13916T>A on transcript NM_001394062.1 (MANE Select); coding-DNA position 13916, T replaced by A.
Protein change: p.Ile4639Asn; replaces isoleucine 4639 with asparagine.
Molecular consequence: missense variant.
Genome position (GRCh38, 1-based): chr1:39,385,501, T>A. VCF-style: chr1-39385501-T-A. GRCh37 (hg19) VCF-style: chr1-39851173-T-A.
Other names: c.7730T>A, p.Ile2577Asn (NM_012090.5); short protein forms I2577N, I4639N.
Identifiers: ClinVar variation 3391800 (VCV003391800.1).

ClinVar aggregate classification (germline): Uncertain significance (1 of 4 stars; one submission).

Submission:

GeneDx
Classification: Uncertain significance. Last evaluated: 2024-06-20. Review status: criteria provided, single submitter. Criteria: GeneDx Variant Classification Process June 2021. Collection method: clinical testing. Allele origin: germline. Affected: yes.
Comment: Not observed at significant frequency in large population cohorts (gnomAD); In silico analysis supports that this missense variant has a deleterious effect on protein structure/function; Has not been previously published as pathogenic or benign to our knowledge